The following is an entry in ClinVar:

NM_021939.4(FKBP10):c.1137G>A (p.Val379=)

Gene: FKBP10 (FKBP prolyl isomerase 10; plus strand). Cytogenetic location: 17q21.2.
Variant type: single nucleotide variant.
Coding change: c.1137G>A on transcript NM_021939.4 (MANE Select); coding-DNA position 1137, G replaced by A.
Protein change: p.Val379=; no amino-acid change (valine 379 retained).
Molecular consequence: synonymous variant.
Genome position (GRCh38, 1-based): chr17:41,820,342, G>A. VCF-style: chr17-41820342-G-A. GRCh37 (hg19) VCF-style: chr17-39976594-G-A.
Identifiers: ClinVar variation 783783 (VCV000783783.17), dbSNP rs116142981, ClinGen allele CA8566528.

ClinVar aggregate classification (germline): Conflicting classifications of pathogenicity. Review status: criteria provided, conflicting classifications (1 of 4 stars). 5 submissions from 5 submitters: Uncertain significance (1); Benign (1); Likely benign (2). 1 of the submissions does not count toward it. Last evaluated 2026-02-02.

Conditions:
FKBP10-related disorder. Also called: FKBP10-related condition.
Osteogenesis imperfecta (OI). Identifiers: Orphanet 666, MedGen C0029434, MeSH D010013, MONDO:0019019.

Allele frequency attached by ClinVar (database versions not stated): gnomAD exomes 0.00012 and 0.00038; ExAC 0.00046; 1000 Genomes Project 0.00140; gnomAD 0.00141 and 0.00150; TOPMed 0.00172; ESP Exome Variant Server 0.00192; 1000 Genomes Project 30x 0.00203.
gnomAD v4.1: 395 of 1,614,186 alleles (0.024%); highest among the groups gnomAD compares: African/African-American, 0.46%; 4 homozygotes.

Submissions (5):

Labcorp Genetics (formerly Invitae), Labcorp
Classification: Benign. Last evaluated: 2026-02-02. Review status: criteria provided, single submitter. Criteria: Invitae Variant Classification Sherloc (09022015). Collection method: clinical testing. Allele origin: germline.

Blueprint Genetics
Classification: Likely benign. Last evaluated: 2024-09-23. Review status: criteria provided, single submitter. Criteria: ACMG Guidelines, 2015. Collection method: clinical testing. Allele origin: germline.

ARUP Laboratories, Molecular Genetics and Genomics, ARUP Laboratories
Classification: Likely benign. Last evaluated: 2024-01-26. Review status: criteria provided, single submitter. Criteria: ARUP Molecular Germline Variant Investigation Process 2024. Collection method: clinical testing. Allele origin: germline.

Genome Diagnostics Laboratory, The Hospital for Sick Children
Classification: Uncertain significance for Osteogenesis imperfecta. Last evaluated: 2021-01-08. Review status: criteria provided, single submitter. Criteria: ACMG Guidelines, 2015. Collection method: clinical testing. Allele origin: germline.

PreventionGenetics, part of Exact Sciences
Classification: Likely benign for FKBP10-related condition. Last evaluated: 2020-02-19. Review status: no assertion criteria provided. Collection method: clinical testing. Allele origin: germline. Not counted in ClinVar's aggregate classification.
Comment: This variant is classified as likely benign based on ACMG/AMP sequence variant interpretation guidelines (Richards et al. 2015 PMID: 25741868, with internal and published modifications).